The following is an entry in ClinVar:

ClinVar aggregate classification (germline): Likely pathogenic (1 of 4 stars; one submission).

Conditions:
Mucolipidosis type II. Also called: ML II ALPHA/BETA; Mucolipidosis 2; ML 2; Inclusion cell disease; Leroy Disease; N-acetylglucosamine 1phosphotransferase deficiency. Identifiers: Orphanet 576, MedGen C2673377, MONDO:0009650, OMIM 252500.

Submission:

Natera, Inc.
Classification: Likely pathogenic for Mucolipidosis type II. Last evaluated: 2025-09-08. Review status: criteria provided, single submitter. Criteria: Natera Variant Classification Schema (03/2026). Collection method: clinical testing. Allele origin: germline.
Comment: The c.2383del variant in GNPTAB is a frameshift variant predicted to shift the reading frame and introduce a stop codon. This variant is expected to result in nonsense mediated decay, truncation, or a dysfunctional protein product. This variant is rare in the general population with a frequency below the threshold expected for the associated phenotype(s). Given the available evidence, this variant is classified as Likely Pathogenic.

NM_024312.5(GNPTAB):c.2383del (p.Ser794_Val795insTer)

Gene: GNPTAB (N-acetylglucosamine-1-phosphate transferase subunits alpha and beta; minus strand). Cytogenetic location: 12q23.2.
Variant type: Deletion.
Coding change: c.2383del on transcript NM_024312.5 (MANE Select); coding-DNA position 2383, one base deleted (G; older notation c.2383delG).
Protein change: p.Ser794_Val795insTer.
Molecular consequence: nonsense.
Genome position (GRCh38, 1-based): chr12:101,764,534, C deleted on the plus strand (G on the coding strand, the reverse complement: GNPTAB is on the minus strand). VCF-style (leftmost placement, unchanged base first): chr12-101764533-AC-A. GRCh37 (hg19) VCF-style: chr12-102158311-AC-A.
Identifiers: ClinVar variation 4816143 (VCV004816143.1).